The following is an entry in ClinVar:

ClinVar aggregate classification (germline): Conflicting classifications of pathogenicity. Review status: criteria provided, conflicting classifications (1 of 4 stars). 5 submissions from 4 submitters: Uncertain significance (4); Likely benign (1). Last evaluated 2024-11-06.

Conditions:
Cardiovascular phenotype. Identifiers: MedGen CN230736.
Noonan syndrome 4 (NS4). Also called: SOS1-Related Noonan Syndrome; NOONAN SYNDROME WITH PIGMENTED VILLONODULAR SYNOVITIS. Identifiers: Orphanet 648, MedGen C1853120, MONDO:0012547, OMIM 610733.
RASopathy. Also called: rasopathies; Noonan spectrum disorder. Identifiers: Orphanet 536391, MedGen C5555857, MONDO:0021060.
Fibromatosis, gingival, 1 (GINGF1). Identifiers: Orphanet 2024, MedGen C4551558, MONDO:0007609, OMIM 135300.

Allele frequency attached by ClinVar (database versions not stated): TOPMed 0.00003.
gnomAD v4.1: 6 of 1,613,780 alleles (0.00037%); highest among the groups gnomAD compares: Admixed American, 0.0033%; no homozygotes.

Submissions (5):

Labcorp Genetics (formerly Invitae), Labcorp
Classification: Likely benign for RASopathy. Last evaluated: 2024-11-06. Review status: criteria provided, single submitter. Criteria: Invitae Variant Classification Sherloc (09022015). Collection method: clinical testing. Allele origin: germline.

Ambry Genetics
Classification: Uncertain significance for Cardiovascular phenotype. Last evaluated: 2021-12-23. Review status: criteria provided, single submitter. Criteria: Ambry Variant Classification Scheme 2023. Collection method: clinical testing. Allele origin: germline.
Comment: The p.S1110W variant (also known as c.3329C>G), located in coding exon 20 of the SOS1 gene, results from a C to G substitution at nucleotide position 3329. The serine at codon 1110 is replaced by tryptophan, an amino acid with highly dissimilar properties. This amino acid position is conserved. In addition, the in silico prediction for this alteration is inconclusive. Since supporting evidence is limited at this time, the clinical significance of this alteration remains unclear.

GeneDx
Classification: Uncertain significance. Last evaluated: 2013-05-21. Review status: criteria provided, single submitter. Criteria: GeneDx Variant Classification (06012015). Collection method: clinical testing. Allele origin: germline. Affected: yes.
Comment: The S1110W missense substitution has not been published as a mutation, nor has it been reported as a benign polymorphism to our knowledge. The NHLBI ESP Exome Variant Server reports S1110W was not observed in approximately 6,500 samples from individuals of European and African American backgrounds, indicating it is not a common benign variant in these populations. S1110W is a non-conservative amino acid substitution as a polar Serine residue is replaced with a non-polar Tryptophan residue at a position that is well conserved across species. Additionally, in silico algorithms predict S1110W is a damaging change. However, the S1110W variant is not located within any known functional domain of the protein and mutations associated with Noonan syndrome have not been reported in the literature beyond codon Proline 894. Therefore, the S1110W missense change is likely a rare benign variant; however, the possibility that is a disease-causing mutation cannot be excluded. The variant is found in SOS1 panel(s).

Genome-Nilou Lab
Classification: Uncertain significance for Noonan syndrome 4. Review status: criteria provided, single submitter. Criteria: ACMG Guidelines, 2015. Collection method: clinical testing. Allele origin: germline.

Genome-Nilou Lab
Classification: Uncertain significance for Fibromatosis, gingival, 1. Review status: criteria provided, single submitter. Criteria: ACMG Guidelines, 2015. Collection method: clinical testing. Allele origin: germline.

NM_005633.4(SOS1):c.3329C>G (p.Ser1110Trp)

Gene: SOS1 (SOS Ras/Rac guanine nucleotide exchange factor 1; minus strand). Cytogenetic location: 2p22.1.
Variant type: single nucleotide variant.
Coding change: c.3329C>G on transcript NM_005633.4 (MANE Select); coding-DNA position 3329, C replaced by G.
Protein change: p.Ser1110Trp; replaces serine 1110 with tryptophan.
Molecular consequence: missense variant.
Genome position (GRCh38, 1-based): chr2:38,995,140, G>C on the plus strand (C>G on the coding strand, the complement: SOS1 is on the minus strand). VCF-style: chr2-38995140-G-C. GRCh37 (hg19) VCF-style: chr2-39222281-G-C.
Other names: p.S1110W:TCG>TGG; c.3308C>G, p.Ser1103Trp (NM_001382394.1); c.3329C>G, p.Ser1110Trp (NM_001382395.1); short protein forms S1110W, S1103W.
Identifiers: ClinVar variation 181543 (VCV000181543.9), dbSNP rs572955351, ClinGen allele CA297231.